The following is an entry in ClinVar:

ClinVar aggregate classification (germline): Uncertain significance (1 of 4 stars; one submission).

Conditions:
Charcot-Marie-Tooth Neuropathy X. Identifiers: MedGen CN118851.

Submission:

Labcorp Genetics (formerly Invitae), Labcorp
Classification: Uncertain significance for Charcot-Marie-Tooth Neuropathy X. Last evaluated: 2024-11-11. Review status: criteria provided, single submitter. Criteria: Invitae Variant Classification Sherloc (09022015). Collection method: clinical testing. Allele origin: germline.
Comment: This sequence change replaces phenylalanine, which is neutral and non-polar, with leucine, which is neutral and non-polar, at codon 266 of the PRPS1 protein (p.Phe266Leu). This variant is not present in population databases (gnomAD no frequency). This variant has not been reported in the literature in individuals affected with PRPS1-related conditions. ClinVar contains an entry for this variant (Variation ID: 2127445). Invitae Evidence Modeling of protein sequence and biophysical properties (such as structural, functional, and spatial information, amino acid conservation, physicochemical variation, residue mobility, and thermodynamic stability) indicates that this missense variant is not expected to disrupt PRPS1 protein function with a negative predictive value of 80%. In summary, the available evidence is currently insufficient to determine the role of this variant in disease. Therefore, it has been classified as a Variant of Uncertain Significance.

NM_002764.4(PRPS1):c.796T>C (p.Phe266Leu)

Gene: PRPS1 (phosphoribosyl pyrophosphate synthetase 1; plus strand). Cytogenetic location: Xq22.3.
Variant type: single nucleotide variant.
Coding change: c.796T>C on transcript NM_002764.4 (MANE Select); coding-DNA position 796, T replaced by C.
Protein change: p.Phe266Leu; replaces phenylalanine 266 with leucine.
Molecular consequence: missense variant.
Genome position (GRCh38, 1-based): chrX:107,647,697, T>C. VCF-style: chrX-107647697-T-C. GRCh37 (hg19) VCF-style: chrX-106890927-T-C.
Other names: c.184T>C, p.Phe62Leu (NM_001204402.2); short protein forms F266L, F62L.
Identifiers: ClinVar variation 2127445 (VCV002127445.4), dbSNP rs2521349744, ClinGen allele CA413814749.